The following is an entry in ClinVar:

NM_020988.3(GNAO1):c.723+6949C>T

Gene: GNAO1 (G protein subunit alpha o1; plus strand). Cytogenetic location: 16q13.
Variant type: single nucleotide variant.
Coding change: c.723+6949C>T on transcript NM_020988.3 (MANE Select); 6949 bases into the intron after coding-DNA position 723, C replaced by T.
Molecular consequence: intron variant. On other transcripts: synonymous variant (1).
Genome position (GRCh38, 1-based): chr16:56,343,809, C>T. VCF-style: chr16-56343809-C-T. GRCh37 (hg19) VCF-style: chr16-56377721-C-T.
Other names: c.924C>T (NM_138736.2); c.924C>T, p.Tyr308= (NM_138736.3).
Identifiers: ClinVar variation 3341623 (VCV003341623.18).

ClinVar aggregate classification (germline): Likely benign. Review status: criteria provided, multiple submitters, no conflicts (2 of 4 stars). 3 submissions from 3 submitters: Likely benign (3). Last evaluated 2026-06-09.

Conditions:
GNAO1-related disorder. Also called: GNAO1-related condition; GNAO1-Related Disorders. Identifiers: MedGen CN381308.

gnomAD v4.1: 140 of 1,613,594 alleles (0.0087%); highest among the groups gnomAD compares: African/African-American, 0.061%; no homozygotes.

Submissions (3):

PreventionGenetics, part of Exact Sciences
Classification: Likely benign for GNAO1-related condition. Last evaluated: 2026-06-09. Review status: criteria provided, single submitter. Criteria: ACMG Guidelines, 2015. Collection method: clinical testing. Allele origin: germline.
Comment: This variant is classified as likely benign based on ACMG/AMP sequence variant interpretation guidelines (Richards et al. 2015 PMID: 25741868, with internal and published modifications).

CeGaT Center for Human Genetics Tuebingen
Classification: Likely benign. Last evaluated: 2025-07-01. Review status: criteria provided, single submitter. Criteria: CeGaT Center For Human Genetics Tuebingen Variant Classification Criteria Version 2. Collection method: clinical testing. Allele origin: germline. Affected: yes. Observed: 2 variant alleles.
Comment: GNAO1: BP4, BP7

Blueprint Genetics
Classification: Likely benign. Last evaluated: 2024-10-08. Review status: criteria provided, single submitter. Criteria: ACMG Guidelines, 2015. Collection method: clinical testing. Allele origin: germline.